The following is an entry in ClinVar:

ClinVar aggregate classification (germline): Benign/Likely benign. Review status: criteria provided, multiple submitters, no conflicts (2 of 4 stars). 6 submissions from 6 submitters: Benign (2); Likely benign (3). 1 of the submissions does not count toward it. Last evaluated 2026-02-01.

Conditions:
CSF2RB-related disorder. Also called: CSF2RB-related condition.

Allele frequency attached by ClinVar (database versions not stated): gnomAD 0.01431; TOPMed 0.01589; ESP Exome Variant Server 0.01753; 1000 Genomes Project 0.02696; 1000 Genomes Project 30x 0.02733.
gnomAD v4.1: 13,184 of 1,614,138 alleles (0.82%); highest among the groups gnomAD compares: African/African-American, 4.6%; 267 homozygotes.

Submissions (6):

Labcorp Genetics (formerly Invitae), Labcorp
Classification: Benign. Last evaluated: 2026-02-01. Review status: criteria provided, single submitter. Criteria: Invitae Variant Classification Sherloc (09022015). Collection method: clinical testing. Allele origin: germline.

Blueprint Genetics
Classification: Likely benign. Last evaluated: 2024-11-26. Review status: criteria provided, single submitter. Criteria: ACMG Guidelines, 2015. Collection method: clinical testing. Allele origin: germline.

GeneDx
Classification: Likely benign. Last evaluated: 2021-10-11. Review status: criteria provided, single submitter. Criteria: GeneDx Variant Classification Process June 2021. Collection method: clinical testing. Allele origin: germline. Affected: yes.

Laboratory for Molecular Medicine, Mass General Brigham Personalized Medicine
Classification: Benign. Last evaluated: 2014-11-24. Review status: criteria provided, single submitter. Criteria: LMM Criteria. Collection method: clinical testing. Allele origin: germline. Observed: 2 variant alleles.
Comment: Pro810Pro in exon 14 of CSF2RB: This variant is not expected to have clinical si gnificance because it does not alter an amino acid residue and is not located wi thin the splice consensus sequence. It has been identified in 4.6% (203/4406) of African American chromosomes from a broad population by the NHLBI Exome Sequenc ing Project (dbSNP rs2228092).

Breakthrough Genomics
Classification: Likely benign. Review status: criteria provided, single submitter. Criteria: ACMG Guidelines, 2015. Collection method: not provided. Allele origin: germline. Inheritance: Autosomal recessive inheritance. Affected: yes.

PreventionGenetics, part of Exact Sciences
Classification: Benign for CSF2RB-related condition. Last evaluated: 2019-05-02. Review status: no assertion criteria provided. Collection method: clinical testing. Allele origin: germline. Not counted in ClinVar's aggregate classification.
Comment: This variant is classified as benign based on ACMG/AMP sequence variant interpretation guidelines (Richards et al. 2015 PMID: 25741868, with internal and published modifications).

NM_000395.3(CSF2RB):c.2430C>A (p.Pro810=)

Gene: CSF2RB (colony stimulating factor 2 receptor subunit beta; plus strand). Cytogenetic location: 22q12.3.
Variant type: single nucleotide variant.
Coding change: c.2430C>A on transcript NM_000395.3 (MANE Select); coding-DNA position 2430, C replaced by A.
Protein change: p.Pro810=; no amino-acid change (proline 810 retained).
Molecular consequence: synonymous variant.
Genome position (GRCh38, 1-based): chr22:36,938,238, C>A. VCF-style: chr22-36938238-C-A. GRCh37 (hg19) VCF-style: chr22-37334280-C-A.
Identifiers: ClinVar variation 226553 (VCV000226553.20), dbSNP rs2228092, ClinGen allele CA10214122.